The following is an entry in ClinVar:

NM_013267.4(GLS2):c.1101C>T (p.Leu367=)

Genes: GLS2 (glutaminase 2; minus strand), SPRYD4 (SPRY domain containing 4; plus strand). Cytogenetic location: 12q13.3.
Variant type: single nucleotide variant.
Coding change: c.1101C>T on transcript NM_013267.4 (MANE Select); coding-DNA position 1101, C replaced by T.
Protein change: p.Leu367=; no amino-acid change (leucine 367 retained).
Molecular consequence: synonymous variant. On other transcripts: 3 prime UTR variant (1).
Genome position (GRCh38, 1-based): chr12:56,474,667, G>A on the plus strand (C>T on the coding strand, the complement: GLS2 is on the minus strand). VCF-style: chr12-56474667-G-A. GRCh37 (hg19) VCF-style: chr12-56868451-G-A.
Other names: c.273C>T, p.Leu91= (NM_001280796.2); c.306C>T, p.Leu102= (NM_001280797.2, NM_001280798.2); c.*5090G>A (NM_207344.4).
Identifiers: ClinVar variation 2643097 (VCV002643097.24), dbSNP rs145926460, ClinGen allele CA6633049.

ClinVar aggregate classification (germline): Likely benign (1 of 4 stars; one submission).

Allele frequency attached by ClinVar (database versions not stated): 1000 Genomes Project 0.00060; 1000 Genomes Project 30x 0.00078; ExAC 0.00120; gnomAD 0.00127; gnomAD exomes 0.00131; TOPMed 0.00149; ESP Exome Variant Server 0.00154.
gnomAD v4.1: 2,095 of 1,613,506 alleles (0.13%); highest among the groups gnomAD compares: Admixed American, 0.36%; 4 homozygotes.

Submission:

CeGaT Center for Human Genetics Tuebingen
Classification: Likely benign. Last evaluated: 2022-05-01. Review status: criteria provided, single submitter. Criteria: CeGaT Center For Human Genetics Tuebingen Variant Classification Criteria Version 2. Collection method: clinical testing. Allele origin: germline. Affected: yes. Observed: 1 variant allele.
Comment: GLS2: BP4, BP7